The following is an entry in ClinVar:

ClinVar aggregate classification (germline): Pathogenic (1 of 4 stars; one submission).

Conditions:
Fraser syndrome 3. Identifiers: MedGen C4540040, MONDO:0054739, OMIM 617667.

Submission:

Myriad Genetics, Inc.
Classification: Pathogenic for Fraser syndrome 3. Last evaluated: 2024-06-25. Review status: criteria provided, single submitter. Criteria: Myriad Autosomal Dominant, Autosomal Recessive and X-Linked Classification Criteria (2023). Collection method: clinical testing. Allele origin: unknown.
Comment: NM_021150.3(GRIP1):c.1234C>T(Q412*) is expected to be pathogenic in the context of Fraser syndrome, GRIP1-related. This variant is predicted to lead to an abnormal or absent protein product due to the creation of a premature termination codon in GRIP1, a gene where loss-of-function variants are known to be pathogenic. Please note: this variant was assessed in the context of healthy population screening.

NM_001366722.1(GRIP1):c.1390C>T (p.Gln464Ter)

Gene: GRIP1 (glutamate receptor interacting protein 1; minus strand). Cytogenetic location: 12q14.3.
Variant type: single nucleotide variant.
Coding change: c.1390C>T on transcript NM_001366722.1 (MANE Select); coding-DNA position 1390, C replaced by T.
Protein change: p.Gln464Ter; replaces glutamine 464 with a stop codon.
Molecular consequence: nonsense.
Genome position (GRCh38, 1-based): chr12:66,445,473, G>A on the plus strand (C>T on the coding strand, the complement: GRIP1 is on the minus strand). VCF-style: chr12-66445473-G-A. GRCh37 (hg19) VCF-style: chr12-66839253-G-A.
Other names: c.1234C>T, p.Gln412Ter (NM_001178074.2, NM_001379351.1, NM_021150.4); c.1309C>T, p.Gln437Ter (NM_001366723.1, NM_001379348.1); c.1312C>T, p.Gln438Ter (NM_001366724.1, NM_001379347.1); c.1468C>T, p.Gln490Ter (NM_001379345.1); c.1390C>T, p.Gln464Ter (NM_001379346.1, NM_001439323.1); c.1237C>T, p.Gln413Ter (NM_001379349.1); c.1393C>T, p.Gln465Ter (NM_001439322.1); short protein forms Q412*, Q413*, Q437*, Q438*, Q464*, Q465*, Q490*.
Identifiers: ClinVar variation 5013235 (VCV005013235.1).